The following is an entry in ClinVar:

ClinVar aggregate classification (germline): Uncertain significance (1 of 4 stars; one submission).

Conditions:
Combined immunodeficiency due to DOCK8 deficiency (HIES2). Also called: HIES autosomal recessive; Hyper-IgE recurrent infection syndrome, autosomal recessive; DOCK8 Deficiency; HYPER-IgE SYNDROME 2, AUTOSOMAL RECESSIVE, WITH RECURRENT INFECTIONS; HYPER-IgE RECURRENT INFECTION SYNDROME 2, AUTOSOMAL RECESSIVE. Identifiers: Orphanet 217390, MedGen C4722305, MONDO:0009478, OMIM 243700.

Submission:

Labcorp Genetics (formerly Invitae), Labcorp
Classification: Uncertain significance for Combined immunodeficiency due to DOCK8 deficiency. Last evaluated: 2025-09-08. Review status: criteria provided, single submitter. Criteria: Invitae Variant Classification Sherloc (09022015). Collection method: clinical testing. Allele origin: germline.
Comment: This sequence change falls in intron 44 of the DOCK8 gene. It does not directly change the encoded amino acid sequence of the DOCK8 protein. This variant is not present in population databases (gnomAD no frequency). This variant has not been reported in the literature in individuals affected with DOCK8-related conditions. Algorithms developed to predict the effect of sequence changes on RNA splicing suggest that this variant may create or strengthen a splice site. In summary, the available evidence is currently insufficient to determine the role of this variant in disease. Therefore, it has been classified as a Variant of Uncertain Significance.

NM_203447.4(DOCK8):c.5817+16G>T

Gene: DOCK8 (dedicator of cytokinesis 8; plus strand). Cytogenetic location: 9p24.3.
Variant type: single nucleotide variant.
Coding change: c.5817+16G>T on transcript NM_203447.4 (MANE Select); 16 bases into the intron after coding-DNA position 5817, G replaced by T.
Molecular consequence: intron variant.
Genome position (GRCh38, 1-based): chr9:446,622, G>T. VCF-style: chr9-446622-G-T. GRCh37 (hg19) VCF-style: chr9-446622-G-T.
Other names: c.5613+16G>T (NM_001193536.2); c.5517+16G>T (NM_001190458.2).
Identifiers: ClinVar variation 4726827 (VCV004726827.1).